The following is an entry in ClinVar:

ClinVar aggregate classification (germline): Uncertain significance (1 of 4 stars; one submission).

Conditions:
Primary immunodeficiency with post-measles-mumps-rubella vaccine viral infection. Also called: Immunodeficiency 44. Identifiers: Orphanet 431166, MedGen C4225260, MONDO:0014715, OMIM 616636.

Allele frequency attached by ClinVar (database versions not stated): ExAC 0.00001; gnomAD exomes 0.00001; TOPMed 0.00002.
gnomAD v4.1: 21 of 1,614,112 alleles (0.0013%); highest among the groups gnomAD compares: Non-Finnish European, 0.0016%; no homozygotes.

Submission:

Labcorp Genetics (formerly Invitae), Labcorp
Classification: Uncertain significance for Primary immunodeficiency with post-measles-mumps-rubella vaccine viral infection. Last evaluated: 2023-12-07. Review status: criteria provided, single submitter. Criteria: Invitae Variant Classification Sherloc (09022015). Collection method: clinical testing. Allele origin: germline.
Comment: This sequence change replaces alanine, which is neutral and non-polar, with serine, which is neutral and polar, at codon 465 of the STAT2 protein (p.Ala465Ser). This variant is present in population databases (rs80325067, gnomAD 0.0009%). This variant has not been reported in the literature in individuals affected with STAT2-related conditions. ClinVar contains an entry for this variant (Variation ID: 1523921). Advanced modeling of protein sequence and biophysical properties (such as structural, functional, and spatial information, amino acid conservation, physicochemical variation, residue mobility, and thermodynamic stability) performed at Invitae indicates that this missense variant is expected to disrupt STAT2 protein function with a positive predictive value of 80%. In summary, the available evidence is currently insufficient to determine the role of this variant in disease. Therefore, it has been classified as a Variant of Uncertain Significance.

NM_005419.4(STAT2):c.1393G>T (p.Ala465Ser)

Gene: STAT2 (signal transducer and activator of transcription 2; minus strand). Cytogenetic location: 12q13.3.
Variant type: single nucleotide variant.
Coding change: c.1393G>T on transcript NM_005419.4 (MANE Select); coding-DNA position 1393, G replaced by T.
Protein change: p.Ala465Ser; replaces alanine 465 with serine.
Molecular consequence: missense variant. On other transcripts: intron variant (1).
Genome position (GRCh38, 1-based): chr12:56,349,210, C>A on the plus strand (G>T on the coding strand, the complement: STAT2 is on the minus strand). VCF-style: chr12-56349210-C-A. GRCh37 (hg19) VCF-style: chr12-56742994-C-A.
Other names: c.1360G>T, p.Ala454Ser (NM_001385110.1); c.1393G>T, p.Ala465Ser (NM_001385113.1); c.1372G>T, p.Ala458Ser (NM_001385114.1); c.1381G>T, p.Ala461Ser (NM_001385115.1, NM_198332.2); c.1342-151G>T (NM_001385111.1); short protein forms A461S, A465S, A454S, A458S.
Identifiers: ClinVar variation 1523921 (VCV001523921.7), dbSNP rs80325067, ClinGen allele CA6630525.